The following is an entry in ClinVar:

NM_000038.6(APC):c.3926A>C (p.Glu1309Ala)

Gene: APC (APC regulator of Wnt signaling pathway; plus strand). Cytogenetic location: 5q22.2.
Variant type: single nucleotide variant.
Coding change: c.3926A>C on transcript NM_000038.6 (MANE Select); coding-DNA position 3926, A replaced by C.
Protein change: p.Glu1309Ala; replaces glutamic acid 1309 with alanine.
Molecular consequence: missense variant.
Genome position (GRCh38, 1-based): chr5:112,839,520, A>C. VCF-style: chr5-112839520-A-C. GRCh37 (hg19) VCF-style: chr5-112175217-A-C.
Other names: c.3926A>C, p.Glu1309Ala (NM_001127510.3, NM_001354895.2); c.3872A>C, p.Glu1291Ala (NM_001127511.3); c.3980A>C, p.Glu1327Ala (NM_001354896.2); c.3956A>C, p.Glu1319Ala (NM_001354897.2); c.3851A>C, p.Glu1284Ala (NM_001354898.2); c.3842A>C, p.Glu1281Ala (NM_001354899.2); c.3803A>C, p.Glu1268Ala (NM_001354900.2); c.3749A>C, p.Glu1250Ala (NM_001354901.2); and 5 more; short protein forms E1218A, E1327A, E1026A, E1149A, E1208A, E1284A, E1309A, E1319A.
Identifiers: ClinVar variation 652569 (VCV000652569.14), dbSNP rs775060363, ClinGen allele CA037055.

ClinVar aggregate classification (germline): Conflicting classifications of pathogenicity. Review status: criteria provided, conflicting classifications (1 of 4 stars). 3 submissions from 3 submitters: Uncertain significance (2); Benign (1). Last evaluated 2026-09-08.

Conditions:
Hereditary cancer-predisposing syndrome. Also called: Neoplastic Syndromes, Hereditary; Hereditary Cancer Syndrome; Hereditary neoplastic syndrome; Tumor predisposition. Identifiers: Orphanet 140162, MedGen C0027672, MeSH D009386, MONDO:0015356.
Familial adenomatous polyposis 1 (FAP1). Also called: POLYPOSIS, ADENOMATOUS INTESTINAL; FAMILIAL ADENOMATOUS POLYPOSIS 1, ATTENUATED. Identifiers: MedGen C2713442, MONDO:0021056, OMIM 175100. Disease mechanism: loss of function.

Allele frequency attached by ClinVar (database versions not stated): ExAC 0.00002.
gnomAD v4.1: 12 of 1,614,086 alleles (0.00074%); highest among the groups gnomAD compares: South Asian, 0.013%; no homozygotes.

Submissions (3):

Ambry Genetics
Classification: Benign for Hereditary cancer-predisposing syndrome. Last evaluated: 2026-09-08. Review status: criteria provided, single submitter. Criteria: Ambry Variant Classification Scheme 2023. Collection method: clinical testing. Allele origin: germline.

Labcorp Genetics (formerly Invitae), Labcorp
Classification: Uncertain significance for Familial adenomatous polyposis 1. Last evaluated: 2025-08-06. Review status: criteria provided, single submitter. Criteria: Invitae Variant Classification Sherloc (09022015). Collection method: clinical testing. Allele origin: germline.
Comment: This sequence change replaces glutamic acid, which is acidic and polar, with alanine, which is neutral and non-polar, at codon 1309 of the APC protein (p.Glu1309Ala). This variant is present in population databases (rs775060363, gnomAD 0.02%). This variant has not been reported in the literature in individuals affected with APC-related conditions. ClinVar contains an entry for this variant (Variation ID: 652569). Invitae Evidence Modeling of protein sequence and biophysical properties (such as structural, functional, and spatial information, amino acid conservation, physicochemical variation, residue mobility, and thermodynamic stability) indicates that this missense variant is not expected to disrupt APC protein function with a negative predictive value of 95%. In summary, the available evidence is currently insufficient to determine the role of this variant in disease. Therefore, it has been classified as a Variant of Uncertain Significance.

Color Diagnostics, LLC DBA Color Health
Classification: Uncertain significance for Hereditary cancer-predisposing syndrome. Last evaluated: 2020-04-27. Review status: criteria provided, single submitter. Criteria: ACMG Guidelines, 2015. Collection method: clinical testing. Allele origin: germline.
Comment: This missense variant replaces glutamic acid with alanine at codon 1309 of the APC protein. Computational prediction suggests that this variant may not impact protein structure and function (internally defined REVEL score threshold <= 0.5, PMID: 27666373). To our knowledge, functional studies have not been reported for this variant. This variant has not been reported in individuals affected with hereditary cancer in the literature. This variant has been identified in 5/251090 chromosomes in the general population by the Genome Aggregation Database (gnomAD). The available evidence is insufficient to determine the role of this variant in disease conclusively. Therefore, this variant is classified as a Variant of Uncertain Significance.